The following is an entry in ClinVar:

NM_000553.6(WRN):c.1310_1315del (p.Val437_Ile438del)

Gene: WRN (WRN RecQ like helicase; plus strand). Cytogenetic location: 8p12.
Variant type: Deletion.
Coding change: c.1310_1315del on transcript NM_000553.6 (MANE Select); coding-DNA positions 1310 to 1315, 6 bases deleted (TAATTG; older notation c.1310_1315delTAATTG).
Protein change: p.Val437_Ile438del.
Molecular consequence: inframe deletion.
Genome position (GRCh38, 1-based): chr8:31,083,739-31,083,744, TAATTG deleted; deleting any 6 consecutive bases within chr8:31,083,737-31,083,744 gives the same sequence; the c. name uses the placement nearest the transcript's 3' end. VCF-style (leftmost placement, unchanged base first): chr8-31083736-ATGTAAT-A. GRCh37 (hg19) VCF-style: chr8-30941252-ATGTAAT-A.
Identifiers: ClinVar variation 956635 (VCV000956635.6), dbSNP rs1813413382, ClinGen allele CA1139660414.
Genomic context (GRCh38, chr8:31,083,736, plus strand): 5'-AATGCTTAATACTTTTTTTAAAGCATTTATCTCCCAATGATAATGAAAACGATACGTCCT[ATGTAAT>A]TGAGAGTGATGAAGATTTAGAAATGGAGATGCTTAAGGTATGTTTACAATTATAAAAATA-3'

ClinVar aggregate classification (germline): Uncertain significance (1 of 4 stars; one submission).

Conditions:
Werner syndrome (WRN). Identifiers: Orphanet 902, MedGen C0043119, MONDO:0010196, OMIM 277700.

Submission:

Labcorp Genetics (formerly Invitae), Labcorp
Classification: Uncertain significance for Werner syndrome. Last evaluated: 2019-10-30. Review status: criteria provided, single submitter. Criteria: Invitae Variant Classification Sherloc (09022015). Collection method: clinical testing. Allele origin: germline.
Comment: In summary, the available evidence is currently insufficient to determine the role of this variant in disease. Therefore, it has been classified as a Variant of Uncertain Significance. Experimental studies and prediction algorithms are not available or were not evaluated, and the functional significance of this variant is currently unknown. This variant has not been reported in the literature in individuals with WRN-related conditions. This variant is not present in population databases (ExAC no frequency). This variant, c.1310_1315del, results in the deletion of 2 amino acid(s) of the WRN protein (p.Val437_Ile438del), but otherwise preserves the integrity of the reading frame.